The following is an entry in ClinVar:

NM_033109.5(PNPT1):c.404-5G>T

Gene: PNPT1 (polyribonucleotide nucleotidyltransferase 1; minus strand). Cytogenetic location: 2p16.1.
Variant type: single nucleotide variant.
Coding change: c.404-5G>T on transcript NM_033109.5 (MANE Select); 5 bases into the intron before coding-DNA position 404, G replaced by T.
Molecular consequence: intron variant.
Genome position (GRCh38, 1-based): chr2:55,683,839, C>A on the plus strand (G>T on the coding strand, the complement: PNPT1 is on the minus strand). VCF-style: chr2-55683839-C-A. GRCh37 (hg19) VCF-style: chr2-55910974-C-A.
Identifiers: ClinVar variation 517081 (VCV000517081.1), dbSNP rs1156874425, ClinGen allele CA532798378.

ClinVar aggregate classification (germline): Likely benign (1 of 4 stars; one submission).

Submission:

GeneDx
Classification: Likely benign. Last evaluated: 2018-01-02. Review status: criteria provided, single submitter. Criteria: GeneDx Variant Classification (06012015). Collection method: clinical testing. Allele origin: germline. Affected: yes.
Comment: This variant is considered likely benign or benign based on one or more of the following criteria: it is a conservative change, it occurs at a poorly conserved position in the protein, it is predicted to be benign by multiple in silico algorithms, and/or has population frequency not consistent with disease.